The following is an entry in ClinVar:

NM_022114.4(PRDM16):c.3354GGA[3] (p.Glu1121del)

Gene: PRDM16 (PR/SET domain 16; plus strand). Cytogenetic location: 1p36.32.
Variant type: Microsatellite.
Coding change: c.3354GGA[3] on transcript NM_022114.4 (MANE Select); three copies in a row of the 3-base unit GGA starting at c.3354; the reference has four copies in a row; one copy, 3 bases deleted.
Protein change: p.Glu1121del; deletes glutamic acid 1121.
Molecular consequence: inframe deletion.
Genome position (GRCh38, 1-based): chr1:3,430,950-3,430,952, GGA deleted; deleting any 3 consecutive bases within chr1:3,430,941-3,430,952 gives the same sequence; the position shown is the placement nearest the transcript's 3' end. VCF-style (leftmost placement, unchanged base first): chr1-3430940-TGGA-T. GRCh37 (hg19) VCF-style: chr1-3347504-TGGA-T.
Other names: c.3354GGA[3], p.Glu1121del (NM_199454.3); short protein forms E1121del.
Identifiers: ClinVar variation 541379 (VCV000541379.8), dbSNP rs779426991, ClinGen allele CA544843.

ClinVar aggregate classification (germline): Uncertain significance (1 of 4 stars; one submission).

Conditions:
Left ventricular noncompaction 8 (LVNC8). Identifiers: Orphanet 154, Orphanet 54260, MedGen C3809288, MONDO:0014152, OMIM 615373.

Submission:

Labcorp Genetics (formerly Invitae), Labcorp
Classification: Uncertain significance for Left ventricular noncompaction 8. Last evaluated: 2024-07-17. Review status: criteria provided, single submitter. Criteria: Invitae Variant Classification Sherloc (09022015). Collection method: clinical testing. Allele origin: germline.
Comment: This variant, c.3363_3365del, results in the deletion of 1 amino acid(s) of the PRDM16 protein (p.Glu1121del), but otherwise preserves the integrity of the reading frame. This variant is present in population databases (rs779426991, gnomAD 0.003%). This variant has not been reported in the literature in individuals affected with PRDM16-related conditions. ClinVar contains an entry for this variant (Variation ID: 541379). Experimental studies and prediction algorithms are not available or were not evaluated, and the functional significance of this variant is currently unknown. In summary, the available evidence is currently insufficient to determine the role of this variant in disease. Therefore, it has been classified as a Variant of Uncertain Significance.